The following is an entry in ClinVar:

NM_004628.5(XPC):c.2331C>A (p.Pro777=)

Gene: XPC (XPC complex subunit, DNA damage recognition and repair factor; minus strand). Cytogenetic location: 3p25.1.
Variant type: single nucleotide variant.
Coding change: c.2331C>A on transcript NM_004628.5 (MANE Select); coding-DNA position 2331, C replaced by A.
Protein change: p.Pro777=; no amino-acid change (proline 777 retained).
Molecular consequence: synonymous variant. On other transcripts: non-coding transcript variant (2).
Genome position (GRCh38, 1-based): chr3:14,148,651, G>T on the plus strand (C>A on the coding strand, the complement: XPC is on the minus strand). VCF-style: chr3-14148651-G-T. GRCh37 (hg19) VCF-style: chr3-14190151-G-T.
Other names: c.1752C>A, p.Pro584= (NM_001354726.2); c.2325C>A, p.Pro775= (NM_001354727.2); c.2313C>A, p.Pro771= (NM_001354729.2); c.2085C>A, p.Pro695= (NM_001354730.2).
Identifiers: ClinVar variation 728466 (VCV000728466.42), dbSNP rs769819782, ClinGen allele CA2267186.

ClinVar aggregate classification (germline): Benign/Likely benign. Review status: criteria provided, multiple submitters, no conflicts (2 of 4 stars). 4 submissions from 4 submitters: Benign (1); Likely benign (3). Last evaluated 2025-10-01.

Allele frequency attached by ClinVar (database versions not stated): TOPMed 0.00002; ExAC 0.00004; gnomAD 0.00005; gnomAD exomes 0.00005 and 0.00006.
gnomAD v4.1: 76 of 1,612,228 alleles (0.0047%); highest among the groups gnomAD compares: Non-Finnish European, 0.0059%; no homozygotes.

Submissions (4):

Labcorp Genetics (formerly Invitae), Labcorp
Classification: Likely benign. Last evaluated: 2025-10-01. Review status: criteria provided, single submitter. Criteria: Invitae Variant Classification Sherloc (09022015). Collection method: clinical testing. Allele origin: germline.

Laboratory of Genetics, Children's Clinical University Hospital Latvia
Classification: Benign. Last evaluated: 2025-02-16. Review status: criteria provided, single submitter. Criteria: ACMG Guidelines, 2015. Collection method: clinical testing. Allele origin: germline. Affected: yes.

Blueprint Genetics
Classification: Likely benign. Last evaluated: 2024-09-10. Review status: criteria provided, single submitter. Criteria: ACMG Guidelines, 2015. Collection method: clinical testing. Allele origin: germline.

CeGaT Center for Human Genetics Tuebingen
Classification: Likely benign. Last evaluated: 2022-05-01. Review status: criteria provided, single submitter. Criteria: CeGaT Center For Human Genetics Tuebingen Variant Classification Criteria Version 2. Collection method: clinical testing. Allele origin: germline. Affected: yes. Observed: 1 variant allele.
Comment: XPC: BP4, BP7